The following is an entry in ClinVar:

ClinVar aggregate classification (germline): Likely benign. Review status: criteria provided, multiple submitters, no conflicts (2 of 4 stars). 2 submissions from 2 submitters: Likely benign (2). Last evaluated 2026-08-26.

Conditions:
SLC24A1-related disorder. Also called: SLC24A1-related condition.

Allele frequency attached by ClinVar (database versions not stated): gnomAD 0.00002 and 0.00003; gnomAD exomes 0.00003; TOPMed 0.00004; ESP Exome Variant Server 0.00009.
gnomAD v4.1: 111 of 1,550,434 alleles (0.0072%); highest among the groups gnomAD compares: Middle Eastern, 0.017%; no homozygotes.

Submissions (2):

PreventionGenetics, part of Exact Sciences
Classification: Likely benign for SLC24A1-related condition. Last evaluated: 2026-08-26. Review status: criteria provided, single submitter. Criteria: ACMG Guidelines, 2015. Collection method: clinical testing. Allele origin: germline.
Comment: This variant is classified as likely benign based on ACMG/AMP sequence variant interpretation guidelines (Richards et al. 2015 PMID: 25741868, with internal and published modifications).

Labcorp Genetics (formerly Invitae), Labcorp
Classification: Likely benign. Last evaluated: 2025-07-13. Review status: criteria provided, single submitter. Criteria: Invitae Variant Classification Sherloc (09022015). Collection method: clinical testing. Allele origin: germline.

NM_004727.3(SLC24A1):c.2472T>C (p.Asn824=)

Gene: SLC24A1 (solute carrier family 24 member 1; plus strand). Cytogenetic location: 15q22.31.
Variant type: single nucleotide variant.
Coding change: c.2472T>C on transcript NM_004727.3 (MANE Select); coding-DNA position 2472, T replaced by C.
Protein change: p.Asn824=; no amino-acid change (asparagine 824 retained).
Molecular consequence: synonymous variant.
Genome position (GRCh38, 1-based): chr15:65,650,621, T>C. VCF-style: chr15-65650621-T-C. GRCh37 (hg19) VCF-style: chr15-65942959-T-C.
Other names: c.2418T>C, p.Asn806= (NM_001301032.1, NM_001301033.2); c.2472T>C (NM_004727.2); c.453T>C, p.Asn151= (NM_001254740.2); c.2472T>C, p.Asn824= (NM_001301031.1).
Identifiers: ClinVar variation 1630140 (VCV001630140.9), dbSNP rs370645621, ClinGen allele CA271571248.
Genomic context (GRCh38, chr15:65,650,621, plus strand): 5'-AGACAATGAAGGTGAAGATGAGGGTGAAATCCACGCAGAAGATGGTGAAATGAAAGGTAA[T>C]GAAGGTGAAACTGAAAGCCAGGAACTCAGTGCTGAAAATCACGGTGAAGCCAAAAATGAT-3'
Protein context (NP_004718.1, residues 814-834): IHAEDGEMKG[Asn824=]EGETESQELS